The following is an entry in ClinVar:

NM_004525.3(LRP2):c.4103C>T (p.Pro1368Leu)

Gene: LRP2 (LDL receptor related protein 2; minus strand). Cytogenetic location: 2q31.1.
Variant type: single nucleotide variant.
Coding change: c.4103C>T on transcript NM_004525.3 (MANE Select); coding-DNA position 4103, C replaced by T.
Protein change: p.Pro1368Leu; replaces proline 1368 with leucine.
Molecular consequence: missense variant.
Genome position (GRCh38, 1-based): chr2:169,239,718, G>A on the plus strand (C>T on the coding strand, the complement: LRP2 is on the minus strand). VCF-style: chr2-169239718-G-A. GRCh37 (hg19) VCF-style: chr2-170096228-G-A.
Other names: short protein forms P1368L.
Identifiers: ClinVar variation 2133803 (VCV002133803.3), dbSNP rs748873916, ClinGen allele CA349146024.
Genomic context (GRCh38, chr2:169,239,718, plus strand): 5'-CAGGTCTTAGAATCATTGGCAAGTAAGAATCCCAATGGACATAGGCATTTAGCCCCAAAG[G>A]GCTCTTGAACACACTCGTGAGTACAACCACCATTGAAATCTGAGCAGCTGTTCCCATCTA-3'
Protein context (NP_004516.2, residues 1358-1378): GGCTHECVQE[Pro1368Leu]FGAKCLCPLG

ClinVar aggregate classification (germline): Uncertain significance (1 of 4 stars; one submission).

Allele frequency attached by ClinVar (database versions not stated): TOPMed 0.00001.

Submission:

Labcorp Genetics (formerly Invitae), Labcorp
Classification: Uncertain significance. Last evaluated: 2024-02-05. Review status: criteria provided, single submitter. Criteria: Invitae Variant Classification Sherloc (09022015). Collection method: clinical testing. Allele origin: germline.
Comment: This sequence change replaces proline, which is neutral and non-polar, with leucine, which is neutral and non-polar, at codon 1368 of the LRP2 protein (p.Pro1368Leu). This variant is present in population databases (no rsID available, gnomAD 0.006%). This variant has not been reported in the literature in individuals affected with LRP2-related conditions. ClinVar contains an entry for this variant (Variation ID: 2133803). An algorithm developed to predict the effect of missense changes on protein structure and function (PolyPhen-2) suggests that this variant is likely to be disruptive. In summary, the available evidence is currently insufficient to determine the role of this variant in disease. Therefore, it has been classified as a Variant of Uncertain Significance.